The following is an entry in ClinVar:

NM_199437.2(PRDM10):c.3186G>A (p.Thr1062=)

Gene: PRDM10 (PR/SET domain 10; minus strand). Cytogenetic location: 11q24.3.
Variant type: single nucleotide variant.
Coding change: c.3186G>A on transcript NM_199437.2 (MANE Select); coding-DNA position 3186, G replaced by A.
Protein change: p.Thr1062=; no amino-acid change (threonine 1062 retained).
Molecular consequence: synonymous variant.
Genome position (GRCh38, 1-based): chr11:129,905,719, C>T on the plus strand (G>A on the coding strand, the complement: PRDM10 is on the minus strand). VCF-style: chr11-129905719-C-T. GRCh37 (hg19) VCF-style: chr11-129775614-C-T.
Other names: c.2838G>A, p.Thr946= (NM_001367890.1); c.3126G>A, p.Thr1042= (NM_001367891.1); c.3132G>A, p.Thr1044= (NM_001367892.1); c.3159G>A, p.Thr1053= (NM_001367893.1); c.2799G>A, p.Thr933= (NM_001367894.1); c.2298G>A, p.Thr766= (NM_001367895.1); c.2337G>A, p.Thr779= (NM_001367896.1); c.2349G>A, p.Thr783= (NM_001367897.1); and 5 more.
Identifiers: ClinVar variation 3905494 (VCV003905494.10).
Genomic context (GRCh38, chr11:129,905,719, plus strand): 5'-GCCAGTAGTAACTGGAGTTGCCACACCACTGTCTGTAATCACAAACTGACCCGGAGGAAG[C>T]GTCATCATTTGAATCTCAGATGCTAAAAAACAGGAAATATTCATAGTTCAGTGGTCTCAG-3'
Protein context (NP_955469.1, residues 1052-1072): RGYSSEIQMM[Thr1062=]LPPGQFVITD

ClinVar aggregate classification (germline): Likely benign (1 of 4 stars; one submission).

gnomAD v4.1: 10 of 1,613,872 alleles (0.00062%); highest among the groups gnomAD compares: Admixed American, 0.0017%; no homozygotes.

Submission:

CeGaT Center for Human Genetics Tuebingen
Classification: Likely benign. Last evaluated: 2025-06-01. Review status: criteria provided, single submitter. Criteria: CeGaT Center For Human Genetics Tuebingen Variant Classification Criteria Version 2. Collection method: clinical testing. Allele origin: germline. Affected: yes. Observed: 2 variant alleles.
Comment: PRDM10: BP4, BP7